The following is an entry in ClinVar:

ClinVar aggregate classification (germline): Likely benign (1 of 4 stars; one submission).

Conditions:
PLXNA1-related disorder. Also called: PLXNA1-related condition.

gnomAD v4.1: 11 of 1,612,208 alleles (0.00068%); highest among the groups gnomAD compares: Non-Finnish European, 0.00068%; no homozygotes.

Submission:

PreventionGenetics, part of Exact Sciences
Classification: Likely benign for PLXNA1-related condition. Last evaluated: 2025-08-12. Review status: criteria provided, single submitter. Criteria: ACMG Guidelines, 2015. Collection method: clinical testing. Allele origin: germline.
Comment: This variant is classified as likely benign based on ACMG/AMP sequence variant interpretation guidelines (Richards et al. 2015 PMID: 25741868, with internal and published modifications).

NM_032242.4(PLXNA1):c.1470C>G (p.Leu490=)

Gene: PLXNA1 (plexin A1; plus strand). Cytogenetic location: 3q21.3.
Variant type: single nucleotide variant.
Coding change: c.1470C>G on transcript NM_032242.4 (MANE Select); coding-DNA position 1470, C replaced by G.
Protein change: p.Leu490=; no amino-acid change (leucine 490 retained).
Molecular consequence: synonymous variant.
Genome position (GRCh38, 1-based): chr3:127,003,422, C>G. VCF-style: chr3-127003422-C-G. GRCh37 (hg19) VCF-style: chr3-126722265-C-G.
Identifiers: ClinVar variation 4982444 (VCV004982444.1).
Genomic context (GRCh38, chr3:127,003,422, plus strand): 5'-GCCTGCCCTGGCCTACGAGAGCGTCGTGGCCCAGGAGGGCAGCCCCATCCTGCGAGACCT[C>G]GTCCTCAGCCCCAACCACCAGTACCTCTACGCCATGACCGAGAAGCAGGTGGGTGCTGCA-3'
Protein context (NP_115618.3, residues 480-500): AQEGSPILRD[Leu490=]VLSPNHQYLY